The following is an entry in ClinVar:

NM_199355.4(ADAMTS18):c.3026G>A (p.Arg1009Gln)

Gene: ADAMTS18 (ADAM metallopeptidase with thrombospondin type 1 motif 18; minus strand). Cytogenetic location: 16q23.1.
Variant type: single nucleotide variant.
Coding change: c.3026G>A on transcript NM_199355.4 (MANE Select); coding-DNA position 3026, G replaced by A.
Protein change: p.Arg1009Gln; replaces arginine 1009 with glutamine.
Molecular consequence: missense variant.
Genome position (GRCh38, 1-based): chr16:77,293,239, C>T on the plus strand (G>A on the coding strand, the complement: ADAMTS18 is on the minus strand). VCF-style: chr16-77293239-C-T. GRCh37 (hg19) VCF-style: chr16-77327136-C-T.
Other names: c.2510G>A, p.Arg837Gln (NM_001326358.2); c.3026G>A (NM_199355.2); short protein forms R837Q, R1009Q.
Identifiers: ClinVar variation 858364 (VCV000858364.9), dbSNP rs142167857, ClinGen allele CA8180636.

ClinVar aggregate classification (germline): Uncertain significance. Review status: criteria provided, multiple submitters, no conflicts (2 of 4 stars). 4 submissions from 4 submitters: Uncertain significance (4). Last evaluated 2025-03-25.

Conditions:
Inborn genetic diseases. Identifiers: MedGen C0950123, MeSH D030342.

Allele frequency attached by ClinVar (database versions not stated): ExAC 0.00007; TOPMed 0.00014; ESP Exome Variant Server 0.00023; gnomAD 0.00015; gnomAD exomes 0.00004 and 0.00006.
gnomAD v4.1: 116 of 1,613,750 alleles (0.0072%); highest among the groups gnomAD compares: African/African-American, 0.025%; no homozygotes.

Submissions (4):

Ambry Genetics
Classification: Uncertain significance for Inborn genetic diseases. Last evaluated: 2025-03-25. Review status: criteria provided, single submitter. Criteria: Ambry Variant Classification Scheme 2023. Collection method: clinical testing. Allele origin: germline.

Labcorp Genetics (formerly Invitae), Labcorp
Classification: Uncertain significance. Last evaluated: 2024-10-26. Review status: criteria provided, single submitter. Criteria: Invitae Variant Classification Sherloc (09022015). Collection method: clinical testing. Allele origin: germline.
Comment: This sequence change replaces arginine, which is basic and polar, with glutamine, which is neutral and polar, at codon 1009 of the ADAMTS18 protein (p.Arg1009Gln). This variant is present in population databases (rs142167857, gnomAD 0.03%). This variant has not been reported in the literature in individuals affected with ADAMTS18-related conditions. ClinVar contains an entry for this variant (Variation ID: 858364). An algorithm developed to predict the effect of missense changes on protein structure and function (PolyPhen-2) suggests that this variant is likely to be disruptive. In summary, the available evidence is currently insufficient to determine the role of this variant in disease. Therefore, it has been classified as a Variant of Uncertain Significance.

Blueprint Genetics
Classification: Uncertain significance. Last evaluated: 2023-08-29. Review status: criteria provided, single submitter. Criteria: ACMG Guidelines, 2015. Collection method: clinical testing. Allele origin: germline.

GeneDx
Classification: Uncertain significance. Last evaluated: 2023-04-11. Review status: criteria provided, single submitter. Criteria: GeneDx Variant Classification Process June 2021. Collection method: clinical testing. Allele origin: germline. Affected: yes.
Comment: In silico analysis supports that this missense variant does not alter protein structure/function; Has not been previously published as pathogenic or benign to our knowledge